The following is an entry in ClinVar:

ClinVar aggregate classification (germline): Uncertain significance (1 of 4 stars; one submission).

Conditions:
Gastrointestinal stromal tumor. Also called: Gastrointestinal stroma tumor; Gastrointestinal stromal tumor, somatic. Identifiers: Orphanet 44890, MedGen C0238198, MeSH D046152, MONDO:0011719, OMIM 606764, HP:0100723.

Submission:

Labcorp Genetics (formerly Invitae), Labcorp
Classification: Uncertain significance for Gastrointestinal stromal tumor. Last evaluated: 2025-05-27. Review status: criteria provided, single submitter. Criteria: Invitae Variant Classification Sherloc (09022015). Collection method: clinical testing. Allele origin: germline.
Comment: This sequence change replaces serine, which is neutral and polar, with cysteine, which is neutral and slightly polar, at codon 965 of the KIT protein (p.Ser965Cys). This variant is not present in population databases (gnomAD no frequency). This variant has not been reported in the literature in individuals affected with KIT-related conditions. ClinVar contains an entry for this variant (Variation ID: 1718046). An algorithm developed to predict the effect of missense changes on protein structure and function (PolyPhen-2) suggests that this variant is likely to be disruptive. In summary, the available evidence is currently insufficient to determine the role of this variant in disease. Therefore, it has been classified as a Variant of Uncertain Significance.

NM_000222.3(KIT):c.2894C>G (p.Ser965Cys)

Gene: KIT (KIT proto-oncogene, receptor tyrosine kinase; plus strand). Cytogenetic location: 4q12.
Variant type: single nucleotide variant.
Coding change: c.2894C>G on transcript NM_000222.3 (MANE Select); coding-DNA position 2894, C replaced by G.
Protein change: p.Ser965Cys; replaces serine 965 with cysteine.
Molecular consequence: missense variant.
Genome position (GRCh38, 1-based): chr4:54,738,520, C>G. VCF-style: chr4-54738520-C-G. GRCh37 (hg19) VCF-style: chr4-55604686-C-G.
Other names: c.2882C>G, p.Ser961Cys (NM_001093772.2, NM_001385292.1); c.2897C>G, p.Ser966Cys (NM_001385284.1); c.2891C>G, p.Ser964Cys (NM_001385285.1); c.2879C>G, p.Ser960Cys (NM_001385286.1); c.2885C>G, p.Ser962Cys (NM_001385288.1); c.2894C>G, p.Ser965Cys (NM_001385290.1); short protein forms S960C, S961C, S962C, S964C, S965C, S966C.
Identifiers: ClinVar variation 1718046 (VCV001718046.6), dbSNP rs201185750, ClinGen allele CA356916476.